The following is an entry in ClinVar:

ClinVar aggregate classification (germline): Uncertain significance. Review status: criteria provided, multiple submitters, no conflicts (2 of 4 stars). 2 submissions from 2 submitters: Uncertain significance (2). Last evaluated 2025-06-20.

Conditions:
Inborn genetic diseases. Identifiers: MedGen C0950123, MeSH D030342.

gnomAD v4.1: 2 of 1,613,760 alleles (0.00012%); highest among the groups gnomAD compares: East Asian, 0.0022%; no homozygotes.

Submissions (2):

Ambry Genetics
Classification: Uncertain significance for Inborn genetic diseases. Last evaluated: 2025-06-20. Review status: criteria provided, single submitter. Criteria: Ambry Variant Classification Scheme 2023. Collection method: clinical testing. Allele origin: germline.
Comment: The p.K1027R variant (also known as c.3080A>G), located in coding exon 14 of the MECOM gene, results from an A to G substitution at nucleotide position 3080. The lysine at codon 1027 is replaced by arginine, an amino acid with highly similar properties. This amino acid position is conserved. In addition, this alteration is predicted to be tolerated by in silico analysis. Based on the available evidence, the clinical significance of this variant remains unclear.

Labcorp Genetics (formerly Invitae), Labcorp
Classification: Uncertain significance. Last evaluated: 2024-02-29. Review status: criteria provided, single submitter. Criteria: Invitae Variant Classification Sherloc (09022015). Collection method: clinical testing. Allele origin: germline.
Comment: This sequence change replaces lysine, which is basic and polar, with arginine, which is basic and polar, at codon 839 of the MECOM protein (p.Lys839Arg). This variant is not present in population databases (gnomAD no frequency). This variant has not been reported in the literature in individuals affected with MECOM-related conditions. An algorithm developed to predict the effect of missense changes on protein structure and function (PolyPhen-2) suggests that this variant is likely to be disruptive. In summary, the available evidence is currently insufficient to determine the role of this variant in disease. Therefore, it has been classified as a Variant of Uncertain Significance.

NM_004991.4(MECOM):c.3080A>G (p.Lys1027Arg)

Gene: MECOM (MDS1 and EVI1 complex locus; minus strand). Cytogenetic location: 3q26.2.
Variant type: single nucleotide variant.
Coding change: c.3080A>G on transcript NM_004991.4 (MANE Select); coding-DNA position 3080, A replaced by G.
Protein change: p.Lys1027Arg; replaces lysine 1027 with arginine.
Molecular consequence: missense variant.
Genome position (GRCh38, 1-based): chr3:169,093,042, T>C on the plus strand (A>G on the coding strand, the complement: MECOM is on the minus strand). VCF-style: chr3-169093042-T-C. GRCh37 (hg19) VCF-style: chr3-168810830-T-C.
Other names: c.2711A>G, p.Lys904Arg (NM_001105077.4); c.2516A>G, p.Lys839Arg (NM_001105078.4, NM_001205194.2, NM_001366469.2 and 1 more transcripts); c.2492A>G, p.Lys831Arg (NM_001163999.2, NM_001366470.2); c.2489A>G, p.Lys830Arg (NM_001164000.2, NM_001366471.2, NM_001366472.2); c.3053A>G, p.Lys1018Arg (NM_001366466.2); c.2519A>G, p.Lys840Arg (NM_001366467.2, NM_001366468.2); c.2081A>G, p.Lys694Arg (NM_001366473.2); c.1517A>G, p.Lys506Arg (NM_001366474.2); and 1 more; short protein forms K506R, K904R, K694R, K831R, K839R, K830R, K1018R, K1027R.
Identifiers: ClinVar variation 3643769 (VCV003643769.3).